The following is an entry in ClinVar:

ClinVar aggregate classification (germline): Uncertain significance. Review status: criteria provided, multiple submitters, no conflicts (2 of 4 stars). 3 submissions from 3 submitters: Uncertain significance (3). Last evaluated 2026-03-03.

Conditions:
PKD1-related disorder. Also called: PKD1-related condition.
Polycystic kidney disease, adult type (PKD1). Also called: Polycystic Kidney Disease 1, Autosomal Dominant; Polycystic kidney disease 1; Polycystic kidney disease 1, severe; POLYCYSTIC KIDNEY DISEASE 1 WITH OR WITHOUT POLYCYSTIC LIVER DISEASE; Polycystic Kidney, Autosomal Dominant; POLYCYSTIC KIDNEY DISEASE, ADULT, TYPE I. Identifiers: MedGen C3149841, MONDO:0008263, OMIM 173900.

Allele frequency attached by ClinVar (database versions not stated): ExAC 0.00002; gnomAD exomes 0.00002 and 0.00003; gnomAD 0.00004 and 0.00006; TOPMed 0.00006; 1000 Genomes Project 30x 0.00016; 1000 Genomes Project 0.00020.
gnomAD v4.1: 55 of 1,610,638 alleles (0.0034%); highest among the groups gnomAD compares: South Asian, 0.0088%; no homozygotes.

Submissions (3):

PreventionGenetics, part of Exact Sciences
Classification: Uncertain significance for PKD1-related condition. Last evaluated: 2026-03-03. Review status: criteria provided, single submitter. Criteria: ACMG Guidelines, 2015. Collection method: clinical testing. Allele origin: germline.
Comment: The PKD1 c.9631G>A variant is predicted to result in the amino acid substitution p.Ala3211Thr. To our knowledge, this variant has not been reported in the literature. This variant is reported in 0.0055% of alleles in individuals of European (Non-Finnish) descent in gnomAD. The p.Ala3211 residue is weakly conserved during evolution and at this position is a threonine (Thr) in rat and mouse. Although we suspect this variant could be benign, the clinical significance of this variant is uncertain due to the absence of conclusive functional and genetic evidence.

Fulgent Genetics
Classification: Uncertain significance for Polycystic kidney disease, adult type. Last evaluated: 2022-05-17. Review status: criteria provided, single submitter. Criteria: ACMG Guidelines, 2015. Collection method: clinical testing. Allele origin: unknown.

CeGaT Center for Human Genetics Tuebingen
Classification: Uncertain significance. Last evaluated: 2019-11-01. Review status: criteria provided, single submitter. Criteria: CeGaT Center For Human Genetics Tuebingen Variant Classification Criteria Version 2. Collection method: clinical testing. Allele origin: germline. Affected: yes. Observed: 1 variant allele.

NM_001009944.3(PKD1):c.9631G>A (p.Ala3211Thr)

Gene: PKD1 (polycystin 1, transient receptor potential channel interacting; minus strand). Cytogenetic location: 16p13.3.
Variant type: single nucleotide variant.
Coding change: c.9631G>A on transcript NM_001009944.3 (MANE Select); coding-DNA position 9631, G replaced by A.
Protein change: p.Ala3211Thr; replaces alanine 3211 with threonine.
Molecular consequence: missense variant.
Genome position (GRCh38, 1-based): chr16:2,100,247, C>T on the plus strand (G>A on the coding strand, the complement: PKD1 is on the minus strand). VCF-style: chr16-2100247-C-T. GRCh37 (hg19) VCF-style: chr16-2150248-C-T.
Other names: c.9631G>A, p.Ala3211Thr (NM_000296.4); c.9631G>A (NM_001009944.2); short protein forms A3211T.
Identifiers: ClinVar variation 871748 (VCV000871748.44), dbSNP rs533152302, ClinGen allele CA7829991.